The following is an entry in ClinVar:

NM_003491.4(NAA10):c.136G>A (p.Glu46Lys)

Gene: NAA10 (N-alpha-acetyltransferase 10, NatA catalytic subunit; minus strand). Cytogenetic location: Xq28.
Variant type: single nucleotide variant.
Coding change: c.136G>A on transcript NM_003491.4 (MANE Select); coding-DNA position 136, G replaced by A.
Protein change: p.Glu46Lys; replaces glutamic acid 46 with lysine.
Molecular consequence: missense variant.
Genome position (GRCh38, 1-based): chrX:153,933,986, C>T on the plus strand (G>A on the coding strand, the complement: NAA10 is on the minus strand). VCF-style: chrX-153933986-C-T. GRCh37 (hg19) VCF-style: chrX-153199439-C-T.
Other names: c.136G>A, p.Glu46Lys (NM_001256119.2, NM_001256120.2); short protein forms E46K.
Identifiers: ClinVar variation 4882297 (VCV004882297.2).

ClinVar aggregate classification (germline): Uncertain significance (1 of 4 stars; one submission).

Submission:

Dasa
Classification: Uncertain significance. Last evaluated: 2024-06-06. Review status: criteria provided, single submitter. Criteria: DASA Assertion Criteria. Collection method: clinical testing. Allele origin: germline.
Comment: NM_003491.4(NAA10):c.136G>A (p.Glu46Lys) is a missense variant that results in the substitution of glutamic acid with lysine. The affected residue or protein region has prior evidence supporting clinical relevance. This variant is rare in population databases. The currently available literature and clinical evidence are not sufficient to establish a definitive association between this variant and the reported condition. Therefore, this variant is classified as a variant of uncertain significance.